The following is an entry in ClinVar:

NM_024675.4(PALB2):c.3004_3008del (p.Glu1002fs)

Gene: PALB2 (partner and localizer of BRCA2; minus strand). Cytogenetic location: 16p12.2.
Variant type: Deletion.
Coding change: c.3004_3008del on transcript NM_024675.4 (MANE Select); coding-DNA positions 3004 to 3008, 5 bases deleted (GAAAA; older notation c.3004_3008delGAAAA).
Protein change: p.Glu1002fs; shifts the reading frame from glutamic acid 1002.
Molecular consequence: frameshift variant.
Genome position (GRCh38, 1-based): chr16:23,621,467-23,621,471, TTTTC deleted on the plus strand (GAAAA on the coding strand, the reverse complement: PALB2 is on the minus strand); deleting any 5 consecutive bases within chr16:23,621,467-23,621,474 gives the same sequence; the c. name uses the placement nearest the transcript's 3' end. VCF-style (leftmost placement, unchanged base first): chr16-23621466-GTTTTC-G. GRCh37 (hg19) VCF-style: chr16-23632787-GTTTTC-G.
Other names: c.2941_2945delAAAGA, p.Glu982Profs (NM_001407296.1); c.2929_2933delAAAGA, p.Glu978Profs (NM_001407297.1); c.2839_2843delAAAGA, p.Glu948Profs (NM_001407298.1, NM_001407302.1); c.3001_3005delAAAGA, p.Glu1002Profs (NM_001407299.1, NM_001407301.1); c.2116_2120delAAAGA, p.Glu707Profs (NM_001407304.1, NM_001407305.1, NM_001407306.1 and 4 more transcripts); c.1954_1958delAAAGA, p.Glu653Profs (NM_001407307.1); c.1213_1217delAAAGA, p.Glu406Profs (NM_001407312.1, NM_001407313.1); c.535_539delAAAGA, p.Glu180Profs (NM_001407314.1); short protein forms E1002fs.
Identifiers: ClinVar variation 2431267 (VCV002431267.2), dbSNP rs2506320815, ClinGen allele CA2580091340.

ClinVar aggregate classification (germline): Pathogenic/Likely pathogenic. Review status: criteria provided, multiple submitters, no conflicts (2 of 4 stars). 2 submissions from 2 submitters: Pathogenic (1); Likely pathogenic (1). Last evaluated 2023-08-20.

Conditions:
Familial cancer of breast. Also called: Hereditary breast cancer; BREAST CANCER, FAMILIAL; hereditary breast carcinoma. Identifiers: Orphanet 227535, MedGen C0346153, MONDO:0016419, OMIM 114480. Disease mechanism: loss of function.

Submissions (2):

Baylor Genetics
Classification: Likely pathogenic for Familial cancer of breast. Last evaluated: 2023-08-20. Review status: criteria provided, single submitter. Criteria: ACMG Guidelines, 2015. Collection method: clinical testing. Allele origin: unknown.

Myriad Genetics, Inc.
Classification: Pathogenic for Familial cancer of breast. Last evaluated: 2023-01-12. Review status: criteria provided, single submitter. Criteria: Myriad Autosomal Dominant, Autosomal Recessive and X-Linked Classification Criteria (2023). Collection method: clinical testing. Allele origin: unknown.
Comment: This variant is considered pathogenic. This variant creates a frameshift predicted to result in premature protein truncation.